The following is an entry in ClinVar:

NM_024426.6(WT1):c.650T>G (p.Ile217Ser)

Genes: WT1 (WT1 transcription factor; minus strand), LOC107982234 (WT1/WT1-AS bi-directional promoter region; plus strand). Cytogenetic location: 11p13.
Variant type: single nucleotide variant.
Coding change: c.650T>G on transcript NM_024426.6 (MANE Select); coding-DNA position 650, T replaced by G.
Protein change: p.Ile217Ser; replaces isoleucine 217 with serine.
Molecular consequence: missense variant. On other transcripts: non-coding transcript variant (1).
Genome position (GRCh38, 1-based): chr11:32,434,711, A>C on the plus strand (T>G on the coding strand, the complement: WT1 is on the minus strand). VCF-style: chr11-32434711-A-C. GRCh37 (hg19) VCF-style: chr11-32456257-A-C.
Other names: c.650T>G, p.Ile217Ser (NM_000378.6, NM_024424.5); c.635T>G (NM_024426.4); short protein forms I217S.
Identifiers: ClinVar variation 1039612 (VCV001039612.9), dbSNP rs1853431800, ClinGen allele CA379964415.

ClinVar aggregate classification (germline): Uncertain significance. Review status: criteria provided, multiple submitters, no conflicts (2 of 4 stars). 3 submissions from 3 submitters: Uncertain significance (3). Last evaluated 2024-12-02.

Conditions:
Wilms tumor 1 (WT1). Also called: Wilms tumor, somatic. Identifiers: Orphanet 654, MedGen CN033288, MONDO:0008679, OMIM 194070.
11p partial monosomy syndrome (WAGR). Also called: WAGR Spectrum Disorder; WAGR Complex; WAGR syndrome; CHROMOSOME 11p13 DELETION SYNDROME. Identifiers: Orphanet 893, MedGen C0206115, MONDO:0008681, OMIM 194072.
Drash syndrome (DDS). Also called: NEPHROPATHY, WILMS TUMOR, AND GENITAL ANOMALIES; WILMS TUMOR AND PSEUDO- OR TRUE HERMAPHRODITISM. Identifiers: Orphanet 220, MedGen C0950121, MONDO:0008682, OMIM 194080.
Frasier syndrome. Identifiers: Orphanet 347, MedGen C0950122, MeSH D052159, MONDO:0007635, OMIM 136680.
Inborn genetic diseases. Identifiers: MedGen C0950123, MeSH D030342.

Allele frequency attached by ClinVar (database versions not stated): TOPMed below 0.00001; gnomAD 0.00001.
gnomAD v4.1: 1 of 1,612,850 alleles (0.000062%); highest among the groups gnomAD compares: Non-Finnish European, 0.000085%; no homozygotes.

Submissions (3):

Ambry Genetics
Classification: Uncertain significance for Inborn genetic diseases. Last evaluated: 2024-12-02. Review status: criteria provided, single submitter. Criteria: Ambry Variant Classification Scheme 2023. Collection method: clinical testing. Allele origin: germline.
Comment: The p.I212S variant (also known as c.635T>G), located in coding exon 1 of the WT1 gene, results from a T to G substitution at nucleotide position 635. The isoleucine at codon 212 is replaced by serine, an amino acid with dissimilar properties. This amino acid position is conserved. In addition, this alteration is predicted to be tolerated by in silico analysis. Based on the available evidence, the clinical significance of this variant remains unclear.

Labcorp Genetics (formerly Invitae), Labcorp
Classification: Uncertain significance for Wilms tumor 1; Drash syndrome; 11p partial monosomy syndrome; Frasier syndrome. Last evaluated: 2023-11-11. Review status: criteria provided, single submitter. Criteria: Invitae Variant Classification Sherloc (09022015). Collection method: clinical testing. Allele origin: germline.
Comment: This sequence change replaces isoleucine, which is neutral and non-polar, with serine, which is neutral and polar, at codon 212 of the WT1 protein (p.Ile212Ser). This variant is not present in population databases (gnomAD no frequency). This variant has not been reported in the literature in individuals affected with WT1-related conditions. ClinVar contains an entry for this variant (Variation ID: 1039612). An algorithm developed to predict the effect of missense changes on protein structure and function (PolyPhen-2) suggests that this variant is likely to be tolerated. In summary, the available evidence is currently insufficient to determine the role of this variant in disease. Therefore, it has been classified as a Variant of Uncertain Significance.

All of Us Research Program, National Institutes of Health
Classification: Uncertain significance for Wilms tumor 1. Last evaluated: 2023-06-08. Review status: criteria provided, single submitter. Criteria: ACMG Guidelines, 2015. Collection method: clinical testing. Allele origin: germline. Inheritance: Autosomal dominant inheritance. Observed: 1 variant allele, 1 heterozygote.
Comment: This variant is located in the WT1 protein. Computational prediction suggests that this variant may not impact protein structure and function (internally defined REVEL score threshold <= 0.5, PMID: 27666373). To our knowledge, functional studies have not been reported for this variant. This variant has not been reported in individuals affected with WT1-related disorders in the literature. This variant has not been identified in the general population by the Genome Aggregation Database (gnomAD). The available evidence is insufficient to determine the role of this variant in disease conclusively. Therefore, this variant is classified as a Variant of Uncertain Significance.

This study involves interpretation of variants in research participants for the purpose of population health screening. Participant phenotype was not available at the time of variant classification. Additional details can be found in publication PMID: 35346344, PMCID: PMC8962531